The following is an entry in ClinVar:

ClinVar aggregate classification (germline): Uncertain significance (1 of 4 stars; one submission).

Allele frequency attached by ClinVar (database versions not stated): gnomAD 0.00001; gnomAD exomes 0.00001; ExAC 0.00003.
gnomAD v4.1: 19 of 1,614,048 alleles (0.0012%); highest among the groups gnomAD compares: Admixed American, 0.017%; no homozygotes.

Submission:

Labcorp Genetics (formerly Invitae), Labcorp
Classification: Uncertain significance. Last evaluated: 2026-01-19. Review status: criteria provided, single submitter. Criteria: Invitae Variant Classification Sherloc (09022015). Collection method: clinical testing. Allele origin: germline.
Comment: This sequence change replaces arginine, which is basic and polar, with histidine, which is basic and polar, at codon 99 of the WHSC1 protein (p.Arg99His). This variant is present in population databases (rs751138696, gnomAD 0.02%). This variant has not been reported in the literature in individuals affected with WHSC1-related conditions. ClinVar contains an entry for this variant (Variation ID: 2168816). An algorithm developed to predict the effect of missense changes on protein structure and function outputs the following: PolyPhen-2: "Benign". The histidine amino acid residue is found in multiple mammalian species, which suggests that this missense change does not adversely affect protein function. In summary, the available evidence is currently insufficient to determine the role of this variant in disease. Therefore, it has been classified as a Variant of Uncertain Significance.

NM_001042424.3(NSD2):c.296G>A (p.Arg99His)

Gene: NSD2 (nuclear receptor binding SET domain protein 2; plus strand). Cytogenetic location: 4p16.3.
Variant type: single nucleotide variant.
Coding change: c.296G>A on transcript NM_001042424.3 (MANE Select); coding-DNA position 296, G replaced by A.
Protein change: p.Arg99His; replaces arginine 99 with histidine.
Molecular consequence: missense variant.
Genome position (GRCh38, 1-based): chr4:1,900,950, G>A. VCF-style: chr4-1900950-G-A. GRCh37 (hg19) VCF-style: chr4-1902677-G-A.
Other names: c.296G>A, p.Arg99His (NM_007331.2, NM_133330.3, NM_133331.3 and 2 more transcripts); short protein forms R99H.
Identifiers: ClinVar variation 2168816 (VCV002168816.4), dbSNP rs751138696, ClinGen allele CA2811858.